The following is an entry in ClinVar:

NM_013372.7(GREM1):c.323G>A (p.Cys108Tyr)

Gene: GREM1 (gremlin 1, DAN family BMP antagonist; plus strand). Cytogenetic location: 15q13.3.
Variant type: single nucleotide variant.
Coding change: c.323G>A on transcript NM_013372.7 (MANE Select); coding-DNA position 323, G replaced by A.
Protein change: p.Cys108Tyr; replaces cysteine 108 with tyrosine.
Molecular consequence: missense variant.
Genome position (GRCh38, 1-based): chr15:32,731,013, G>A. VCF-style: chr15-32731013-G-A. GRCh37 (hg19) VCF-style: chr15-33023214-G-A.
Other names: c.113G>A, p.Cys38Tyr (NM_001191322.2); c.200G>A, p.Cys67Tyr (NM_001191323.2); c.323G>A, p.Cys108Tyr (NM_001368719.1); short protein forms C108Y, C38Y, C67Y.
Identifiers: ClinVar variation 1729282 (VCV001729282.3), dbSNP rs2548707816, ClinGen allele CA391557685.
Genomic context (GRCh38, chr15:32,731,013, plus strand): 5'-ACCTGAAGCGAGACTGGTGCAAAACCCAGCCGCTTAAGCAGACCATCCACGAGGAAGGCT[G>A]CAACAGTCGCACCATCATCAACCGCTTCTGTTACGGCCAGTGCAACTCTTTCTACATCCC-3'
Protein context (NP_037504.1, residues 98-118): PLKQTIHEEG[Cys108Tyr]NSRTIINRFC

ClinVar aggregate classification (germline): Uncertain significance (1 of 4 stars; one submission).

Conditions:
Hereditary cancer-predisposing syndrome. Also called: Tumor predisposition; Neoplastic Syndromes, Hereditary; Hereditary Cancer Syndrome; Hereditary neoplastic syndrome. Identifiers: Orphanet 140162, MedGen C0027672, MeSH D009386, MONDO:0015356.

Submission:

Ambry Genetics
Classification: Uncertain significance for Hereditary cancer-predisposing syndrome. Last evaluated: 2025-11-23. Review status: criteria provided, single submitter. Criteria: Ambry Variant Classification Scheme 2023. Collection method: clinical testing. Allele origin: germline.
Comment: The p.C108Y variant (also known as c.323G>A), located in coding exon 1 of the GREM1 gene, results from a G to A substitution at nucleotide position 323. The cysteine at codon 108 is replaced by tyrosine, an amino acid with highly dissimilar properties. This amino acid position is conserved. In addition, this alteration is predicted to be deleterious by in silico analysis. Since supporting evidence is limited at this time, the clinical significance of this alteration remains unclear.